The following is an entry in ClinVar:

NM_138576.4(BCL11B):c.1770_1771del (p.Lys591fs)

Gene: BCL11B (BCL11 transcription factor B; minus strand). Cytogenetic location: 14q32.2.
Variant type: Microsatellite.
Coding change: c.1770_1771del on transcript NM_138576.4 (MANE Select); coding-DNA positions 1770 to 1771, 2 bases deleted (GA; older notation c.1770_1771delGA).
Protein change: p.Lys591fs; shifts the reading frame from lysine 591.
Molecular consequence: frameshift variant.
Genome position (GRCh38, 1-based): chr14:99,175,065-99,175,066, TC deleted on the plus strand (GA on the coding strand, the reverse complement: BCL11B is on the minus strand); deleting any 2 consecutive bases within chr14:99,175,065-99,175,068 gives the same sequence; the c. name uses the placement nearest the transcript's 3' end. VCF-style (leftmost placement, unchanged base first): chr14-99175064-TTC-T. GRCh37 (hg19) VCF-style: chr14-99641401-TTC-T.
Other names: c.1767_1768del, p.Lys590fs (NM_001282237.2); c.1554_1555del, p.Lys519fs (NM_001282238.2); c.1557_1558del, p.Lys520fs (NM_022898.3); short protein forms K519fs, K520fs, K590fs, K591fs.
Identifiers: ClinVar variation 976002 (VCV000976002.3), dbSNP rs1886445034, ClinGen allele CA2158268209.

ClinVar aggregate classification (germline): Pathogenic (1 of 4 stars; one submission).

Conditions:
Intellectual developmental disorder with speech delay, dysmorphic facies, and t-cell abnormalities. Also called: BCL11B-related BAFopathy. Identifiers: Orphanet 662829, MedGen C4748152, MONDO:0060763, OMIM 618092.

Submission:

Institute of Human Genetics, University of Leipzig Medical Center
Classification: Pathogenic for Intellectual developmental disorder with speech delay, dysmorphic facies, and t-cell abnormalities. Last evaluated: 2020-01-20. Review status: criteria provided, single submitter. Criteria: ACMG Guidelines, 2015. Collection method: clinical testing. Allele origin: de novo. Inheritance: Autosomal dominant inheritance. Affected: yes.
Comment: Criteria applied: PVS1,PS2,PM2